The following is an entry in ClinVar:

NM_001876.4(CPT1A):c.448del (p.Trp150fs)

Gene: CPT1A (carnitine palmitoyltransferase 1A; minus strand). Cytogenetic location: 11q13.3.
Variant type: Deletion.
Coding change: c.448del on transcript NM_001876.4 (MANE Select); coding-DNA position 448, one base deleted (T; older notation c.448delT).
Protein change: p.Trp150fs; shifts the reading frame from tryptophan 150.
Molecular consequence: frameshift variant.
Genome position (GRCh38, 1-based): chr11:68,807,472, A deleted on the plus strand (T on the coding strand, the reverse complement: CPT1A is on the minus strand). VCF-style (leftmost placement, unchanged base first): chr11-68807471-CA-C. GRCh37 (hg19) VCF-style: chr11-68574939-CA-C.
Other names: c.448del, p.Trp150fs (NM_001031847.3); short protein forms W150fs.
Identifiers: ClinVar variation 4065397 (VCV004065397.2).
Genomic context (GRCh38, chr11:68,807,471, plus strand): 5'-TCTTCCCAAAGCCCAAACTGTCCACCCCCTCCACAGCCAGAGGGACACGCAATTACCATC[CA>C]GATCTTGGTGGCACGACTCATCTTGCCGTGCTCAGTGAACATCCACCCGTGGTAGGAGAG-3'

ClinVar aggregate classification (germline): Likely pathogenic (1 of 4 stars; one submission).

Conditions:
Carnitine palmitoyl transferase 1A deficiency. Also called: Carnitine palmitoyltransferase 1A deficiency; Carnitine palmitoyltransferase type I deficiency; CPT I DEFICIENCY; CPT DEFICIENCY, HEPATIC, TYPE I; CPT deficiency, hepatic, type IA. Identifiers: Orphanet 156, MedGen C1829703, MONDO:0009705, OMIM 255120.

Submission:

Natera, Inc.
Classification: Likely pathogenic for Carnitine palmitoyltransferase type I deficiency. Last evaluated: 2025-03-31. Review status: criteria provided, single submitter. Criteria: Natera Variant Classification Schema (03/2026). Collection method: clinical testing. Allele origin: germline.
Comment: The c.448del variant in CPT1A is a frameshift variant predicted to shift the reading frame beginning at codon 150 and leads to a stop codon 34 codons downstream. This variant is expected to result in nonsense mediated decay, truncation, or a dysfunctional protein product. This variant is rare in the general population with a frequency below the threshold expected for the associated phenotype(s). Given the available evidence, this variant is classified as Likely Pathogenic.